The following is an entry in ClinVar:

NM_000320.3(QDPR):c.600C>G (p.Ser200Arg)

Gene: QDPR (quinoid dihydropteridine reductase; minus strand). Cytogenetic location: 4p15.32.
Variant type: single nucleotide variant.
Coding change: c.600C>G on transcript NM_000320.3 (MANE Select); coding-DNA position 600, C replaced by G.
Protein change: p.Ser200Arg; replaces serine 200 with arginine.
Molecular consequence: missense variant. On other transcripts: non-coding transcript variant (1).
Genome position (GRCh38, 1-based): chr4:17,490,691, G>C on the plus strand (C>G on the coding strand, the complement: QDPR is on the minus strand). VCF-style: chr4-17490691-G-C. GRCh37 (hg19) VCF-style: chr4-17492314-G-C.
Other names: c.507C>G, p.Ser169Arg (NM_001306140.2); c.600C>G (NM_000320.2); short protein forms S169R, S200R.
Identifiers: ClinVar variation 1003665 (VCV001003665.6), dbSNP rs112242659, ClinGen allele CA2868045.

ClinVar aggregate classification (germline): Uncertain significance. Review status: criteria provided, multiple submitters, no conflicts (2 of 4 stars). 3 submissions from 3 submitters: Uncertain significance (3). Last evaluated 2024-10-31.

Conditions:
Dihydropteridine reductase deficiency (HPABH4C). Also called: DHPR DEFICIENCY; BH4-Deficient Hyperphenylalaninemia C; Phenylketonuria II; QDPR DEFICIENCY; QUINOID DIHYDROPTERIDINE REDUCTASE DEFICIENCY; HYPERPHENYLALANINEMIA, TETRAHYDROBIOPTERIN-DEFICIENT, DUE TO DHPR DEFICIENCY. Identifiers: Orphanet 226, Orphanet 238583, MedGen C0268465, MONDO:0009862, OMIM 261630.

Allele frequency attached by ClinVar (database versions not stated): 1000 Genomes Project 30x 0.00031; gnomAD 0.00060 and 0.00063; gnomAD exomes 0.00017 and 0.00005; TOPMed 0.00073; ExAC 0.00017; 1000 Genomes Project 0.00020; ESP Exome Variant Server 0.00054.
gnomAD v4.1: 182 of 1,614,040 alleles (0.011%); highest among the groups gnomAD compares: African/African-American, 0.19%; no homozygotes.

Submissions (3):

GeneDx
Classification: Uncertain significance. Last evaluated: 2024-10-31. Review status: criteria provided, single submitter. Criteria: GeneDx Variant Classification Process June 2021. Collection method: clinical testing. Allele origin: germline. Affected: yes.
Comment: In silico analysis supports that this missense variant has a deleterious effect on protein structure/function; Has not been previously published as pathogenic or benign to our knowledge

Labcorp Genetics (formerly Invitae), Labcorp
Classification: Uncertain significance for Dihydropteridine reductase deficiency. Last evaluated: 2022-10-28. Review status: criteria provided, single submitter. Criteria: Invitae Variant Classification Sherloc (09022015). Collection method: clinical testing. Allele origin: germline.
Comment: This sequence change replaces serine, which is neutral and polar, with arginine, which is basic and polar, at codon 200 of the QDPR protein (p.Ser200Arg). This variant is present in population databases (rs112242659, gnomAD 0.2%). This variant has not been reported in the literature in individuals affected with QDPR-related conditions. ClinVar contains an entry for this variant (Variation ID: 1003665). Algorithms developed to predict the effect of missense changes on protein structure and function output the following: SIFT: "Deleterious"; PolyPhen-2: "Benign"; Align-GVGD: "Class C15". The arginine amino acid residue is found in multiple mammalian species, which suggests that this missense change does not adversely affect protein function. In summary, the available evidence is currently insufficient to determine the role of this variant in disease. Therefore, it has been classified as a Variant of Uncertain Significance.

Breakthrough Genomics
Classification: Uncertain significance. Review status: criteria provided, single submitter. Criteria: ACMG Guidelines, 2015. Collection method: not provided. Allele origin: germline. Inheritance: Autosomal recessive inheritance. Affected: yes.